The following is an entry in ClinVar:

ClinVar aggregate classification (germline): Uncertain significance. Review status: criteria provided, multiple submitters, no conflicts (2 of 4 stars). 2 submissions from 2 submitters: Uncertain significance (2). Last evaluated 2024-07-08.

gnomAD v4.1: 76 of 1,588,072 alleles (0.0048%); highest among the groups gnomAD compares: Middle Eastern, 0.017%; no homozygotes.

Submissions (2):

Labcorp Genetics (formerly Invitae), Labcorp
Classification: Uncertain significance. Last evaluated: 2024-07-08. Review status: criteria provided, single submitter. Criteria: Invitae Variant Classification Sherloc (09022015). Collection method: clinical testing. Allele origin: germline.
Comment: This sequence change replaces alanine, which is neutral and non-polar, with valine, which is neutral and non-polar, at codon 297 of the DNAJB11 protein (p.Ala297Val). This variant is present in population databases (rs139219315, gnomAD 0.007%). This variant has not been reported in the literature in individuals affected with DNAJB11-related conditions. Advanced modeling of protein sequence and biophysical properties (such as structural, functional, and spatial information, amino acid conservation, physicochemical variation, residue mobility, and thermodynamic stability) has been performed at Invitae for this missense variant, however the output from this modeling did not meet the statistical confidence thresholds required to predict the impact of this variant on DNAJB11 protein function. In summary, the available evidence is currently insufficient to determine the role of this variant in disease. Therefore, it has been classified as a Variant of Uncertain Significance.

Blueprint Genetics
Classification: Uncertain significance. Last evaluated: 2023-03-22. Review status: criteria provided, single submitter. Criteria: ACMG Guidelines, 2015. Collection method: clinical testing. Allele origin: germline.

NM_016306.6(DNAJB11):c.890C>T (p.Ala297Val)

Gene: DNAJB11 (DnaJ heat shock protein family (Hsp40) member B11; plus strand). Cytogenetic location: 3q27.3.
Variant type: single nucleotide variant.
Coding change: c.890C>T on transcript NM_016306.6 (MANE Select); coding-DNA position 890, C replaced by T.
Protein change: p.Ala297Val; replaces alanine 297 with valine.
Molecular consequence: missense variant. On other transcripts: non-coding transcript variant (6).
Genome position (GRCh38, 1-based): chr3:186,584,467, C>T. VCF-style: chr3-186584467-C-T. GRCh37 (hg19) VCF-style: chr3-186302256-C-T.
Other names: c.614C>T, p.Ala205Val (NM_001378451.1); short protein forms A205V, A297V.
Identifiers: ClinVar variation 3704378 (VCV003704378.3).